The following is an entry in ClinVar:

NM_001042492.3(NF1):c.4175_4176del (p.Val1392fs)

Gene: NF1 (neurofibromin 1; plus strand). Cytogenetic location: 17q11.2.
Variant type: Deletion.
Coding change: c.4175_4176del on transcript NM_001042492.3 (MANE Select); coding-DNA positions 4175 to 4176, 2 bases deleted (TG; older notation c.4175_4176delTG).
Protein change: p.Val1392fs; shifts the reading frame from valine 1392.
Molecular consequence: frameshift variant.
Genome position (GRCh38, 1-based): chr17:31,258,345-31,258,346, TG deleted; deleting any 2 consecutive bases within chr17:31,258,344-31,258,346 gives the same sequence; the c. name uses the placement nearest the transcript's 3' end. VCF-style (leftmost placement, unchanged base first): chr17-31258343-GGT-G. GRCh37 (hg19) VCF-style: chr17-29585361-GGT-G.
Other names: c.4112_4113delTG, p.Val1371Glyfs (NM_000267.4); short protein forms V1371fs, V1392fs.
Identifiers: ClinVar variation 3643042 (VCV003643042.2).

ClinVar aggregate classification (germline): Pathogenic (1 of 4 stars; one submission).

Conditions:
Neurofibromatosis, type 1 (NF1). Also called: Peripheral type neurofibromatosis; VON RECKLINGHAUSEN DISEASE; Neurofibromatosis, type I; NEUROFIBROMATOSIS, TYPE I, SOMATIC. Identifiers: Orphanet 636, MedGen C0027831, MONDO:0018975, OMIM 162200. Disease mechanism: loss of function.

Submission:

Labcorp Genetics (formerly Invitae), Labcorp
Classification: Pathogenic for Neurofibromatosis, type 1. Last evaluated: 2024-02-24. Review status: criteria provided, single submitter. Criteria: Invitae Variant Classification Sherloc (09022015). Collection method: clinical testing. Allele origin: germline.
Comment: This sequence change creates a premature translational stop signal (p.Val1371Glyfs*2) in the NF1 gene. It is expected to result in an absent or disrupted protein product. Loss-of-function variants in NF1 are known to be pathogenic (PMID: 10712197, 23913538). This variant is not present in population databases (gnomAD no frequency). This variant has not been reported in the literature in individuals affected with NF1-related conditions. Algorithms developed to predict the effect of sequence changes on RNA splicing suggest that this variant may disrupt the consensus splice site. For these reasons, this variant has been classified as Pathogenic.

Literature cited by the submitters: PubMed 10712197; PubMed 23913538.